The following is an entry in ClinVar:

ClinVar aggregate classification (germline): Conflicting classifications of pathogenicity. Review status: criteria provided, conflicting classifications (1 of 4 stars). 5 submissions from 5 submitters: Uncertain significance (4); Likely benign (1). Last evaluated 2025-12-16.

Conditions:
Hereditary cancer-predisposing syndrome. Also called: Neoplastic Syndromes, Hereditary; Hereditary Cancer Syndrome; Tumor predisposition; Hereditary neoplastic syndrome. Identifiers: Orphanet 140162, MedGen C0027672, MeSH D009386, MONDO:0015356.
Hereditary breast ovarian cancer syndrome. Also called: Hereditary breast and ovarian cancer syndrome; Hereditary breast and ovarian cancer syndrome (HBOC); Hereditary breast and/or ovarian cancer syndrome; Hereditary breast and ovarian cancer; Breast and ovarian cancer; BRCA1- and BRCA2-Associated Hereditary Breast and Ovarian Cancer. Identifiers: Orphanet 145, MedGen C0677776, MeSH D061325, MONDO:0003582. Disease mechanism: loss of function.

Allele frequency attached by ClinVar (database versions not stated): gnomAD exomes below 0.00001.
gnomAD v4.1: 1 of 1,614,228 alleles (0.000062%); no homozygotes.

Submissions (5):

Color Diagnostics, LLC DBA Color Health
Classification: Uncertain significance for Hereditary cancer-predisposing syndrome. Last evaluated: 2025-12-16. Review status: criteria provided, single submitter. Criteria: ACMG Guidelines, 2015. Collection method: clinical testing. Allele origin: germline.
Comment: This missense variant replaces asparagine with aspartic acid at codon 1309 of the BRCA1 protein. Computational prediction suggests that this variant may not impact protein structure and function. To our knowledge, functional studies have not been reported for this variant. This variant has not been reported in individuals affected with BRCA1-related disorders in the literature. This variant has been identified in 1/1614228 chromosomes in the general population by the Genome Aggregation Database (gnomAD). The available evidence is insufficient to determine the role of this variant in disease conclusively. Therefore, this variant is classified as a Variant of Uncertain Significance.

Ambry Genetics
Classification: Uncertain significance for Hereditary cancer-predisposing syndrome. Last evaluated: 2025-08-28. Review status: criteria provided, single submitter. Criteria: Ambry Variant Classification Scheme 2023. Collection method: clinical testing. Allele origin: germline.

Labcorp Genetics (formerly Invitae), Labcorp
Classification: Uncertain significance for Hereditary breast ovarian cancer syndrome. Last evaluated: 2025-03-09. Review status: criteria provided, single submitter. Criteria: Invitae Variant Classification Sherloc (09022015). Collection method: clinical testing. Allele origin: germline.
Comment: This sequence change replaces asparagine, which is neutral and polar, with aspartic acid, which is acidic and polar, at codon 1309 of the BRCA1 protein (p.Asn1309Asp). This variant is not present in population databases (gnomAD no frequency). This variant has not been reported in the literature in individuals affected with BRCA1-related conditions. ClinVar contains an entry for this variant (Variation ID: 928511). Invitae Evidence Modeling of protein sequence and biophysical properties (such as structural, functional, and spatial information, amino acid conservation, physicochemical variation, residue mobility, and thermodynamic stability) indicates that this missense variant is not expected to disrupt BRCA1 protein function with a negative predictive value of 80%. In summary, the available evidence is currently insufficient to determine the role of this variant in disease. Therefore, it has been classified as a Variant of Uncertain Significance.

University of Washington Department of Laboratory Medicine, University of Washington
Classification: Likely benign for Hereditary cancer-predisposing syndrome. Last evaluated: 2023-03-23. Review status: criteria provided, single submitter. Criteria: Dines et al. (Genet Med. 2020). Collection method: curation. Allele origin: germline.
Comment: Missense variant in a coldspot region where missense variants are very unlikely to be pathogenic (PMID:31911673).

BRCA1 coldspot (exon 11 using historical exon numbering). Reclassification based on statistical prior probability

Women's Health and Genetics/Laboratory Corporation of America, LabCorp
Classification: Uncertain significance. Last evaluated: 2019-03-12. Review status: criteria provided, single submitter. Criteria: LabCorp Variant Classification Summary - May 2015. Collection method: clinical testing. Allele origin: germline.
Comment: Variant summary: BRCA1 c.3925A>G (p.Asn1309Asp) results in a conservative amino acid change in the encoded protein sequence. Three of five in-silico tools predict a benign effect of the variant on protein function. The variant was absent in 245914 control chromosomes (gnomAD). The available data on variant occurrences in the general population are insufficient to allow any conclusion about variant significance. To our knowledge, no occurrence of c.3925A>G in individuals affected with Hereditary Breast and Ovarian Cancer and no experimental evidence demonstrating its impact on protein function have been reported. No clinical diagnostic laboratories have submitted clinical-significance assessments for this variant to ClinVar after 2014. Based on the evidence outlined above, the variant was classified as uncertain significance.

NM_007294.4(BRCA1):c.3925A>G (p.Asn1309Asp)

Genes: BRCA1 (BRCA1 DNA repair associated; minus strand), LOC126862571 (BRD4-independent group 4 enhancer GRCh37_chr17:41243136-41244335; plus strand). Cytogenetic location: 17q21.31.
Variant type: single nucleotide variant.
Coding change: c.3925A>G on transcript NM_007294.4 (MANE Select); coding-DNA position 3925, A replaced by G.
Protein change: p.Asn1309Asp; replaces asparagine 1309 with aspartic acid.
Molecular consequence: missense variant. On other transcripts: intron variant (135).
Genome position (GRCh38, 1-based): chr17:43,091,606, T>C on the plus strand (A>G on the coding strand, the complement: BRCA1 is on the minus strand). VCF-style: chr17-43091606-T-C. GRCh37 (hg19) VCF-style: chr17-41243623-T-C.
Other names: c.662-574A>G (NM_001408434.1, NM_001408446.1, NM_001408435.1 and 6 more transcripts); c.3925A>G, p.Asn1309Asp (NM_001407602.1, NM_001407603.1, NM_001407597.1 and 30 more transcripts); c.671-574A>G (NM_001408418.1, NM_001408423.1, NM_001408420.1 and 2 more transcripts); c.665-574A>G (NM_001408428.1, NM_001408440.1, NM_001408436.1 and 12 more transcripts); c.785-574A>G (NM_001408398.1, NM_001407992.1, NM_001408397.1 and 13 more transcripts); c.788-574A>G (NM_001407981.1, NM_001407980.1, NM_001407993.1 and 17 more transcripts); c.3781A>G, p.Asn1261Asp (NM_001407964.1, NM_001407740.1, NM_001407741.1 and 20 more transcripts); c.3421A>G, p.Asn1141Asp (NM_001407965.1); and 41 more; short protein forms N1262D, N1309D, N1013D, N1198D, N1306D, N441D, N1181D, N1221D.
Identifiers: ClinVar variation 928511 (VCV000928511.14), dbSNP rs2053499636, ClinGen allele CA10594111.